The following is an entry in ClinVar:

ClinVar aggregate classification (germline): Uncertain significance. Review status: criteria provided, multiple submitters, no conflicts (2 of 4 stars). 3 submissions from 3 submitters: Uncertain significance (3). Last evaluated 2025-03-06.

Conditions:
Fanconi anemia complementation group A (FANCA). Also called: FANCA-Related Fanconi Anemia; Fanconi anemia, group A. Identifiers: Orphanet 84, MedGen C3469521, MONDO:0009215, OMIM 227650.
Inborn genetic diseases. Identifiers: MedGen C0950123, MeSH D030342.

gnomAD v4.1: 33 of 1,613,954 alleles (0.002%); highest among the groups gnomAD compares: South Asian, 0.034%; no homozygotes.

Submissions (3):

Ambry Genetics
Classification: Uncertain significance for Inborn genetic diseases. Last evaluated: 2025-03-06. Review status: criteria provided, single submitter. Criteria: Ambry Variant Classification Scheme 2023. Collection method: clinical testing. Allele origin: germline.
Comment: The p.Q240H variant (also known as c.720A>C), located in coding exon 8 of the FANCA gene, results from an A to C substitution at nucleotide position 720. The glutamine at codon 240 is replaced by histidine, an amino acid with highly similar properties. This amino acid position is conserved. In addition, this alteration is predicted to be tolerated by in silico analysis. Based on the available evidence, the clinical significance of this variant remains unclear.

Blueprint Genetics
Classification: Uncertain significance. Last evaluated: 2024-08-27. Review status: criteria provided, single submitter. Criteria: ACMG Guidelines, 2015. Collection method: clinical testing. Allele origin: germline.

Fulgent Genetics
Classification: Uncertain significance for Fanconi anemia complementation group A. Last evaluated: 2024-03-13. Review status: criteria provided, single submitter. Criteria: ACMG Guidelines, 2015. Collection method: clinical testing. Allele origin: germline.

NM_000135.4(FANCA):c.720A>C (p.Gln240His)

Gene: FANCA (FA complementation group A; minus strand). Cytogenetic location: 16q24.3.
Variant type: single nucleotide variant.
Coding change: c.720A>C on transcript NM_000135.4 (MANE Select); coding-DNA position 720, A replaced by C.
Protein change: p.Gln240His; replaces glutamine 240 with histidine.
Molecular consequence: missense variant.
Genome position (GRCh38, 1-based): chr16:89,803,331, T>G on the plus strand (A>C on the coding strand, the complement: FANCA is on the minus strand). VCF-style: chr16-89803331-T-G. GRCh37 (hg19) VCF-style: chr16-89869739-T-G.
Other names: c.720A>C, p.Gln240His (NM_001018112.3, NM_001286167.3); c.624A>C, p.Gln208His (NM_001351830.2); short protein forms Q208H, Q240H.
Identifiers: ClinVar variation 3581568 (VCV003581568.3).